The following is an entry in ClinVar:

ClinVar aggregate classification (germline): Uncertain significance. Review status: criteria provided, multiple submitters, no conflicts (2 of 4 stars). 2 submissions from 2 submitters: Uncertain significance (2). Last evaluated 2024-01-27.

Conditions:
Familial thoracic aortic aneurysm and aortic dissection (TAAD). Also called: Thoracic aortic aneurysms and dissections. Identifiers: Orphanet 91387, MedGen C4707243, MONDO:0019625.

Submissions (2):

Ambry Genetics
Classification: Uncertain significance for Familial thoracic aortic aneurysm and aortic dissection. Last evaluated: 2024-01-27. Review status: criteria provided, single submitter. Criteria: Ambry Variant Classification Scheme 2023. Collection method: clinical testing. Allele origin: germline.
Comment: The p.L1296V variant (also known as c.3886C>G), located in coding exon 28 of the MYH11 gene, results from a C to G substitution at nucleotide position 3886. The leucine at codon 1296 is replaced by valine, an amino acid with highly similar properties. This amino acid position is conserved. In addition, the in silico prediction for this alteration is inconclusive. Based on the available evidence, the clinical significance of this alteration remains unclear.

All of Us Research Program, National Institutes of Health
Classification: Uncertain significance for Familial thoracic aortic aneurysm and aortic dissection. Last evaluated: 2023-05-16. Review status: criteria provided, single submitter. Criteria: ACMG Guidelines, 2015. Collection method: clinical testing. Allele origin: germline. Inheritance: Autosomal dominant inheritance. Observed: 1 variant allele, 1 heterozygote.
Comment: This missense variant replaces leucine with valine at codon 1303 of the MYH11 protein. Computational prediction is inconclusive regarding the impact of this variant on protein structure and function (internally defined REVEL score threshold 0.5 < inconclusive < 0.7, PMID: 27666373). To our knowledge, functional studies have not been reported for this variant. This variant has not been reported in individuals affected with MYH11-related disorders in the literature. This variant has not been identified in the general population by the Genome Aggregation Database (gnomAD). The available evidence is insufficient to determine the role of this variant in disease conclusively. Therefore, this variant is classified as a Variant of Uncertain Significance.

This study involves interpretation of variants in research participants for the purpose of population health screening. Participant phenotype was not available at the time of variant classification. Additional details can be found in publication PMID: 35346344, PMCID: PMC8962531

NM_002474.3(MYH11):c.3886C>G (p.Leu1296Val)

Genes: NDE1 (nudE neurodevelopment protein 1; plus strand), MYH11 (myosin heavy chain 11; minus strand). Cytogenetic location: 16p13.11.
Variant type: single nucleotide variant.
Coding change: c.3886C>G on transcript NM_002474.3 (MANE Select); coding-DNA position 3886, C replaced by G.
Protein change: p.Leu1296Val; replaces leucine 1296 with valine.
Molecular consequence: missense variant. On other transcripts: 3 prime UTR variant (2).
Genome position (GRCh38, 1-based): chr16:15,724,965, G>C on the plus strand (C>G on the coding strand, the complement: MYH11 is on the minus strand). VCF-style: chr16-15724965-G-C. GRCh37 (hg19) VCF-style: chr16-15818822-G-C.
Other names: c.3907C>G, p.Leu1303Val (NM_001040113.2, NM_001040114.2); c.3886C>G, p.Leu1296Val (NM_022844.3); c.*714G>C (NM_001143979.2, NM_017668.3); short protein forms L1296V, L1303V.
Identifiers: ClinVar variation 3070994 (VCV003070994.2), dbSNP rs2506145364, ClinGen allele CA394859184.
Genomic context (GRCh38, chr16:15,724,965, plus strand): 5'-GGGAACTGAGGGACGCCACGTCCTTGGCCAGCTTAATGGCCTTCCCCTCGGCCTCGTTAA[G>C]CATCCCTGTGACGCTCTCAACTTCATTCTAAGGGTGCCAAGAGACTGGTTAGTCAAAGCC-3'
Protein context (NP_002465.1, residues 1286-1306): QNEVESVTGM[Leu1296Val]NEAEGKAIKL